The following is an entry in ClinVar:

NC_000022.10:g.(?_29083730)_(29085204_29090019)dup

Gene: CHEK2 (checkpoint kinase 2; minus strand). Cytogenetic location: 22q12.1.
Variant type: Duplication.
Identifiers: ClinVar variation 1698505 (VCV001698505.1).

ClinVar aggregate classification (germline): Uncertain significance (1 of 4 stars; one submission).

Submission:

Women's Health and Genetics/Laboratory Corporation of America, LabCorp
Classification: Uncertain significance. Last evaluated: 2022-06-07. Review status: criteria provided, single submitter. Criteria: LabCorp Variant Classification Summary - May 2015. Collection method: clinical testing. Allele origin: germline.
Comment: Variant summary: The variant identified by MLPA or other technology involves the duplication of the last two exons (exons 14-15) in the CHEK2 gene. A presumed nomenclature of c.(1461+1_1462-1)_(*155_?)dup has been designated for the purposes of this classification. It has been assumed that this is a tandem duplication in direct orientation (Richardson_GIM_2018, Newman_AJHG_2015). The variant was absent in 21694 control chromosomes (gnomAD, Structural Variants dataset). The available data on variant occurrences in the general population are insufficient to allow any conclusion about variant significance. To our knowledge, no occurrence of c.(1461+1_1462-1)_(*155_?)dup in individuals affected with Hereditary Breast And Ovarian Cancer Syndrome and no experimental evidence demonstrating its impact on protein function have been reported. A ClinVar submitter (evaluation after 2014) cites the variant as uncertain significance. Based on the evidence outlined above, the variant was classified as uncertain significance.